The following is an entry in ClinVar:

ClinVar aggregate classification (germline): Benign/Likely benign. Review status: criteria provided, multiple submitters, no conflicts (2 of 4 stars). 4 submissions from 4 submitters: Benign (1); Likely benign (3). Last evaluated 2025-11-24.

Conditions:
Brugada syndrome 5 (BRGDA5). Identifiers: Orphanet 130, Orphanet 871, MedGen C2748541, MONDO:0013015, OMIM 612838.
Cardiovascular phenotype. Identifiers: MedGen CN230736.

Allele frequency attached by ClinVar (database versions not stated): gnomAD 0.00002 and 0.00003; TOPMed 0.00005; gnomAD exomes 0.00006; ExAC 0.00009.
gnomAD v4.1: 97 of 1,613,798 alleles (0.006%); highest among the groups gnomAD compares: Non-Finnish European, 0.0075%; no homozygotes.

Submissions (4):

Labcorp Genetics (formerly Invitae), Labcorp
Classification: Likely benign for Brugada syndrome 5. Last evaluated: 2025-11-24. Review status: criteria provided, single submitter. Criteria: Invitae Variant Classification Sherloc (09022015). Collection method: clinical testing. Allele origin: germline.

CeGaT Center for Human Genetics Tuebingen
Classification: Likely benign. Last evaluated: 2025-02-01. Review status: criteria provided, single submitter. Criteria: CeGaT Center For Human Genetics Tuebingen Variant Classification Criteria Version 2. Collection method: clinical testing. Allele origin: germline. Affected: yes. Observed: 1 variant allele.
Comment: SCN1B: BP4, BP7

Ambry Genetics
Classification: Likely benign for Cardiovascular phenotype. Last evaluated: 2020-03-06. Review status: criteria provided, single submitter. Criteria: Ambry Variant Classification Scheme 2023. Collection method: clinical testing. Allele origin: germline.

GeneDx
Classification: Benign. Last evaluated: 2015-10-14. Review status: criteria provided, single submitter. Criteria: GeneDx Variant Classification (06012015). Collection method: clinical testing. Allele origin: germline. Affected: yes.
Comment: This variant is considered likely benign or benign based on one or more of the following criteria: it is a conservative change, it occurs at a poorly conserved position in the protein, it is predicted to be benign by multiple in silico algorithms, and/or has population frequency not consistent with disease.

NM_001037.5(SCN1B):c.63C>T (p.Cys21=)

Gene: SCN1B (sodium voltage-gated channel beta subunit 1; plus strand). Cytogenetic location: 19q13.11.
Variant type: single nucleotide variant.
Coding change: c.63C>T on transcript NM_001037.5 (MANE Select); coding-DNA position 63, C replaced by T.
Protein change: p.Cys21=; no amino-acid change (cysteine 21 retained).
Molecular consequence: synonymous variant. On other transcripts: 5 prime UTR variant (1).
Genome position (GRCh38, 1-based): chr19:35,032,550, C>T. VCF-style: chr19-35032550-C-T. GRCh37 (hg19) VCF-style: chr19-35523454-C-T.
Other names: c.-37C>T (NM_001321605.2); c.63C>T, p.Cys21= (NM_199037.5).
Identifiers: ClinVar variation 378520 (VCV000378520.38), dbSNP rs200339565, ClinGen allele CA9371946.
Genomic context (GRCh38, chr19:35,032,550, plus strand): 5'-GGGTGCCTCTGCCTGACCTGAGCCTGCTGTCCCCACAGTGTCCTCAGCCTGCGGGGGCTG[C>T]GTGGAGGTGGACTCGGAGACCGAGGCCGTGTATGGGATGACCTTCAAAATTCTTTGCATC-3'
Protein context (NP_001028.1, residues 11-31): AALVSSACGG[Cys21=]VEVDSETEAV